The following is an entry in ClinVar:

NM_018136.5(ASPM):c.1273T>C (p.Ser425Pro)

Gene: ASPM (assembly factor for spindle microtubules; minus strand). Cytogenetic location: 1q31.3.
Variant type: single nucleotide variant.
Coding change: c.1273T>C on transcript NM_018136.5 (MANE Select); coding-DNA position 1273, T replaced by C.
Protein change: p.Ser425Pro; replaces serine 425 with proline.
Molecular consequence: missense variant.
Genome position (GRCh38, 1-based): chr1:197,142,979, A>G on the plus strand (T>C on the coding strand, the complement: ASPM is on the minus strand). VCF-style: chr1-197142979-A-G. GRCh37 (hg19) VCF-style: chr1-197112109-A-G.
Other names: c.1273T>C, p.Ser425Pro (NM_001206846.2); short protein forms S425P.
Identifiers: ClinVar variation 2135652 (VCV002135652.4), dbSNP rs2527403557, ClinGen allele CA344016946.

ClinVar aggregate classification (germline): Uncertain significance (1 of 4 stars; one submission).

Submission:

Labcorp Genetics (formerly Invitae), Labcorp
Classification: Uncertain significance. Last evaluated: 2023-08-17. Review status: criteria provided, single submitter. Criteria: Invitae Variant Classification Sherloc (09022015). Collection method: clinical testing. Allele origin: germline.
Comment: This sequence change replaces serine, which is neutral and polar, with proline, which is neutral and non-polar, at codon 425 of the ASPM protein (p.Ser425Pro). This variant is not present in population databases (gnomAD no frequency). This variant has not been reported in the literature in individuals affected with ASPM-related conditions. ClinVar contains an entry for this variant (Variation ID: 2135652). Advanced modeling of protein sequence and biophysical properties (such as structural, functional, and spatial information, amino acid conservation, physicochemical variation, residue mobility, and thermodynamic stability) performed at Invitae indicates that this missense variant is not expected to disrupt ASPM protein function. In summary, the available evidence is currently insufficient to determine the role of this variant in disease. Therefore, it has been classified as a Variant of Uncertain Significance.